The following is an entry in ClinVar:

NM_000126.4(ETFA):c.37dup (p.Ala13fs)

Gene: ETFA (electron transfer flavoprotein subunit alpha; minus strand). Cytogenetic location: 15q24.3.
Variant type: Duplication.
Coding change: c.37dup on transcript NM_000126.4 (MANE Select); coding-DNA position 37, one base duplicated (G; older notation c.37dupG).
Protein change: p.Ala13fs; shifts the reading frame from alanine 13.
Molecular consequence: frameshift variant.
Genome position (GRCh38, 1-based): chr15:76,311,352, C duplicated on the plus strand (G on the coding strand, the reverse complement: ETFA is on the minus strand); the first of 3 consecutive C bases (chr15:76,311,352-76,311,354); duplicating any one gives the same sequence. VCF-style (leftmost placement, unchanged base first): chr15-76311351-G-GC. GRCh37 (hg19) VCF-style: chr15-76603692-G-GC.
Other names: c.37dup, p.Ala13fs (NM_001127716.2); short protein forms A13fs.
Identifiers: ClinVar variation 2785152 (VCV002785152.3), dbSNP rs766672514, ClinGen allele CA7673895.

ClinVar aggregate classification (germline): Pathogenic (1 of 4 stars; one submission).

Conditions:
Multiple acyl-CoA dehydrogenase deficiency (MADD). Also called: Glutaric Acidemia type 2; ETHYLMALONIC-ADIPICACIDURIA; GA II; Glutaric aciduria, type 2; Glutaric acidemia type II; GA 2. Identifiers: Orphanet 26791, MedGen C0268596, MONDO:0009282, OMIM 231680.

Submission:

Labcorp Genetics (formerly Invitae), Labcorp
Classification: Pathogenic for Multiple acyl-CoA dehydrogenase deficiency. Last evaluated: 2023-10-27. Review status: criteria provided, single submitter. Criteria: Invitae Variant Classification Sherloc (09022015). Collection method: clinical testing. Allele origin: germline.
Comment: This sequence change creates a premature translational stop signal (p.Ala13Glyfs*15) in the ETFA gene. It is expected to result in an absent or disrupted protein product. Loss-of-function variants in ETFA are known to be pathogenic (PMID: 16510302, 23785301). This variant is not present in population databases (gnomAD no frequency). This variant has not been reported in the literature in individuals affected with ETFA-related conditions. For these reasons, this variant has been classified as Pathogenic.

Literature cited by the submitters: PubMed 16510302; PubMed 23785301.